The following is an entry in ClinVar:

NM_005482.3(PIGK):c.1035T>A (p.Tyr345Ter)

Gene: PIGK (phosphatidylinositol glycan anchor biosynthesis class K; minus strand). Cytogenetic location: 1p31.1.
Variant type: single nucleotide variant.
Coding change: c.1035T>A on transcript NM_005482.3 (MANE Select); coding-DNA position 1035, T replaced by A.
Protein change: p.Tyr345Ter; replaces tyrosine 345 with a stop codon.
Molecular consequence: nonsense.
Genome position (GRCh38, 1-based): chr1:77,122,311, A>T on the plus strand (T>A on the coding strand, the complement: PIGK is on the minus strand). VCF-style: chr1-77122311-A-T. GRCh37 (hg19) VCF-style: chr1-77587996-A-T.
Other names: short protein forms Y345*.
Identifiers: ClinVar variation 4687450 (VCV004687450.1).
Genomic context (GRCh38, chr1:77,122,311, plus strand): 5'-AAAAGAATAAAATGAAATGCAAACCTGGTGTATTATCTGAGCTACAGGAAGTTGTTCAGC[A>T]TATTTCAGAGGTTCCATTAGTTTCTCATCCATCTGGTCTTCCTTATAGCTGGAAAAGATA-3'

ClinVar aggregate classification (germline): Uncertain significance (1 of 4 stars; one submission).

Submission:

Women's Health and Genetics/Laboratory Corporation of America, LabCorp
Classification: Uncertain significance. Last evaluated: 2025-10-08. Review status: criteria provided, single submitter. Criteria: LabCorp Variant Classification Summary - May 2015. Collection method: clinical testing. Allele origin: germline.
Comment: Variant summary: PIGK c.1035T>A (p.Tyr345X) results in a premature termination codon, predicted to cause a truncation of the encoded protein and not involved in nonsense-mediated mRNA decay. The variant was absent in 250910 control chromosomes (gnomAD). The available data on variant occurrences in the general population are insufficient to allow any conclusion about variant significance. To our knowledge, no occurrence of c.1035T>A in individuals affected with PIGK-related conditions and no experimental evidence demonstrating its impact on protein function have been reported. No submitters have cited clinical-significance assessments for this variant to ClinVar. Based on the evidence outlined above, the variant was classified as uncertain significance.